The following is an entry in ClinVar:

ClinVar aggregate classification (germline): Likely benign. Review status: criteria provided, multiple submitters, no conflicts (2 of 4 stars). 5 submissions from 5 submitters: Likely benign (4). 1 of the submissions does not count toward it. Last evaluated 2025-11-04.

Conditions:
Primary ciliary dyskinesia. Also called: Ciliary dyskinesia. Identifiers: Orphanet 244, MedGen C0008780, MONDO:0016575, HP:0012265.

Allele frequency attached by ClinVar (database versions not stated): TOPMed 0.00003; gnomAD 0.00004 and 0.00005; gnomAD exomes 0.00005; ExAC 0.00007; ESP Exome Variant Server 0.00008; 1000 Genomes Project 0.00040; 1000 Genomes Project 30x 0.00047.
gnomAD v4.1: 65 of 1,614,134 alleles (0.004%); highest among the groups gnomAD compares: African/African-American, 0.0093%; 1 homozygote.

Submissions (5):

Labcorp Genetics (formerly Invitae), Labcorp
Classification: Likely benign for Primary ciliary dyskinesia. Last evaluated: 2025-11-04. Review status: criteria provided, single submitter. Criteria: Invitae Variant Classification Sherloc (09022015). Collection method: clinical testing. Allele origin: germline.

CeGaT Center for Human Genetics Tuebingen
Classification: Likely benign. Last evaluated: 2025-08-01. Review status: criteria provided, single submitter. Criteria: CeGaT Center For Human Genetics Tuebingen Variant Classification Criteria Version 2. Collection method: clinical testing. Allele origin: germline. Affected: yes. Observed: 1 variant allele.
Comment: DNAH5: BP4, BP7

Blueprint Genetics
Classification: Likely benign. Last evaluated: 2024-08-30. Review status: criteria provided, single submitter. Criteria: ACMG Guidelines, 2015. Collection method: clinical testing. Allele origin: germline.

Breakthrough Genomics
Classification: Likely benign. Review status: criteria provided, single submitter. Criteria: ACMG Guidelines, 2015. Collection method: not provided. Allele origin: germline. Inheritance: Autosomal recessive inheritance. Affected: yes.

Natera, Inc.
Classification: Likely benign for Primary ciliary dyskinesia. Last evaluated: 2020-03-12. Review status: no assertion criteria provided. Collection method: clinical testing. Allele origin: germline. Not counted in ClinVar's aggregate classification.

NM_001369.3(DNAH5):c.6957G>A (p.Thr2319=)

Gene: DNAH5 (dynein axonemal heavy chain 5; minus strand). Cytogenetic location: 5p15.2.
Variant type: single nucleotide variant.
Coding change: c.6957G>A on transcript NM_001369.3 (MANE Select); coding-DNA position 6957, G replaced by A.
Protein change: p.Thr2319=; no amino-acid change (threonine 2319 retained).
Molecular consequence: synonymous variant.
Genome position (GRCh38, 1-based): chr5:13,817,579, C>T on the plus strand (G>A on the coding strand, the complement: DNAH5 is on the minus strand). VCF-style: chr5-13817579-C-T. GRCh37 (hg19) VCF-style: chr5-13817688-C-T.
Identifiers: ClinVar variation 698493 (VCV000698493.25), dbSNP rs202042219, ClinGen allele CA3203228.
Genomic context (GRCh38, chr5:13,817,579, plus strand): 5'-AAAAATAATCCTTGTAATTTATCTTCTACCTTTCTTTGCTCTTAATGTTTTCCTCCAAAG[C>T]GTAGAAAATATCCCATCAGTCCAGTCATTTGTGGCAACGTCCAGCCGACCAAACATCTGT-3'
Protein context (NP_001360.1, residues 2309-2329): TNDWTDGIFS[Thr2319=]LWRKTLRAKK